The following is an entry in ClinVar:

ClinVar aggregate classification (germline): Uncertain significance (1 of 4 stars; one submission).

Submission:

GeneDx
Classification: Uncertain significance. Last evaluated: 2025-01-21. Review status: criteria provided, single submitter. Criteria: GeneDx Variant Classification Process June 2021. Collection method: clinical testing. Allele origin: germline. Affected: yes.
Comment: Not observed at significant frequency in large population cohorts (gnomAD); In silico analysis supports that this missense variant has a deleterious effect on protein structure/function; Has not been previously published as pathogenic or benign to our knowledge

NM_000540.3(RYR1):c.3445G>T (p.Gly1149Cys)

Gene: RYR1 (ryanodine receptor 1; plus strand). Cytogenetic location: 19q13.2.
Variant type: single nucleotide variant.
Coding change: c.3445G>T on transcript NM_000540.3 (MANE Select); coding-DNA position 3445, G replaced by T.
Protein change: p.Gly1149Cys; replaces glycine 1149 with cysteine.
Molecular consequence: missense variant.
Genome position (GRCh38, 1-based): chr19:38,469,029, G>T. VCF-style: chr19-38469029-G-T. GRCh37 (hg19) VCF-style: chr19-38959669-G-T.
Other names: c.3445G>T, p.Gly1149Cys (NM_001042723.2); short protein forms G1149C.
Identifiers: ClinVar variation 4072515 (VCV004072515.1).